The following is an entry in ClinVar:

NM_001302371.3(NBPF10):c.346G>T (p.Gly116Trp)

Gene: NBPF10 (NBPF member 10; minus strand). Cytogenetic location: 1q21.1.
Variant type: single nucleotide variant.
Coding change: c.346G>T on transcript NM_001302371.3 (MANE Select); coding-DNA position 346, G replaced by T.
Protein change: p.Gly116Trp; replaces glycine 116 with tryptophan.
Molecular consequence: missense variant.
Genome position (GRCh38, 1-based): chr1:146,141,751, C>A on the plus strand (G>T on the coding strand, the complement: NBPF10 is on the minus strand). VCF-style: chr1-146141751-C-A. GRCh37 (hg19) VCF-style: chr1-145296424-G-T.
Other names: c.346G>T, p.Gly116Trp (NM_001039703.6); short protein forms G116W.
Identifiers: ClinVar variation 2639081 (VCV002639081.24), dbSNP rs186121989, ClinGen allele CA1050916.

ClinVar aggregate classification (germline): Likely benign (1 of 4 stars; one submission).

Allele frequency attached by ClinVar (database versions not stated): 1000 Genomes Project 0.00359.

Submission:

CeGaT Center for Human Genetics Tuebingen
Classification: Likely benign. Last evaluated: 2023-12-01. Review status: criteria provided, single submitter. Criteria: CeGaT Center For Human Genetics Tuebingen Variant Classification Criteria Version 2. Collection method: clinical testing. Allele origin: germline. Affected: yes. Observed: 3 variant alleles.
Comment: NBPF10: BS2